The following is an entry in ClinVar:

NM_001384140.1(PCDH15):c.3010-343T>C

Gene: PCDH15 (protocadherin related 15; minus strand). Cytogenetic location: 10q21.1.
Variant type: single nucleotide variant.
Coding change: c.3010-343T>C on transcript NM_001384140.1 (MANE Select); 343 bases into the intron before coding-DNA position 3010, T replaced by C.
Molecular consequence: intron variant.
Genome position (GRCh38, 1-based): chr10:53,960,187, A>G on the plus strand (T>C on the coding strand, the complement: PCDH15 is on the minus strand). VCF-style: chr10-53960187-A-G. GRCh37 (hg19) VCF-style: chr10-55719947-A-G.
Other names: c.3010-343T>C (NM_001354420.2, NM_001354429.2, NM_001142772.2 and 4 more transcripts); c.3025-343T>C (NM_001142771.2, NM_001142763.2); c.3031-343T>C (NM_001354411.2); c.3046-343T>C (NM_001142769.3); c.2944-343T>C (NM_001354404.2, NM_001142773.2, NM_001142768.2); c.2899-343T>C (NM_001142767.2); c.2797-343T>C (NM_001142765.2).
Identifiers: ClinVar variation 667954 (VCV000667954.1), dbSNP rs2446610, ClinGen allele CA207208764.
Genomic context (GRCh38, chr10:53,960,187, plus strand): 5'-AAAACAAGTGTATTATACTATATCTCTCCAATTAAAGACTCATTTCTATAATTCCACTGA[A>G]GCCCACAGTAAATACACATGATTTTATAGCACCAATACACTTATTTAAGAAGTGTTAAAT-3'

ClinVar aggregate classification (germline): Benign (1 of 4 stars; one submission).

Allele frequency attached by ClinVar (database versions not stated): gnomAD 0.71614 and 0.71350; TOPMed 0.72702; 1000 Genomes Project 30x 0.74407; 1000 Genomes Project 0.74900.
gnomAD v4.1: 108,785 of 151,674 alleles (72%); highest among the groups gnomAD compares: East Asian, 87%; 39,295 homozygotes.

Submission:

GeneDx
Classification: Benign. Last evaluated: 2018-06-14. Review status: criteria provided, single submitter. Criteria: GeneDx Variant Classification (06012015). Collection method: clinical testing. Allele origin: germline. Affected: yes.
Comment: This variant is considered likely benign or benign based on one or more of the following criteria: it is a conservative change, it occurs at a poorly conserved position in the protein, it is predicted to be benign by multiple in silico algorithms, and/or has population frequency not consistent with disease.